The following is an entry in ClinVar:

NM_000089.4(COL1A2):c.700C>T (p.Arg234Cys)

Gene: COL1A2 (collagen type I alpha 2 chain; plus strand). Cytogenetic location: 7q21.3.
Variant type: single nucleotide variant.
Coding change: c.700C>T on transcript NM_000089.4 (MANE Select); coding-DNA position 700, C replaced by T.
Protein change: p.Arg234Cys; replaces arginine 234 with cysteine.
Molecular consequence: missense variant.
Genome position (GRCh38, 1-based): chr7:94,408,342, C>T. VCF-style: chr7-94408342-C-T. GRCh37 (hg19) VCF-style: chr7-94037654-C-T.
Other names: short protein forms R234C.
Identifiers: ClinVar variation 1480675 (VCV001480675.13), dbSNP rs1206388800, ClinGen allele CA368220345.

ClinVar aggregate classification (germline): Conflicting classifications of pathogenicity. Review status: criteria provided, conflicting classifications (1 of 4 stars). 6 submissions from 6 submitters: Uncertain significance (5); Likely benign (1). Last evaluated 2026-08-10.

Conditions:
Cardiovascular phenotype. Identifiers: MedGen CN230736.
Ehlers-Danlos syndrome (EDS). Identifiers: Orphanet 98249, MedGen C0013720, MONDO:0020066.
COL1A2-related disorder. Also called: COL1A2-related condition; COL1A2-Related Disorders.
Ehlers-Danlos syndrome, classic type, 1 (EDSCL1). Also called: Ehlers-Danlos syndrome, type 1; Ehlers-Danlos Syndrome, Classic Type, COL5A1-Related; EDS I; EHLERS-DANLOS SYNDROME, GRAVIS TYPE; EHLERS-DANLOS SYNDROME, SEVERE CLASSIC TYPE. Identifiers: MedGen C0268335, MONDO:0019567, OMIM 130000.
Osteogenesis imperfecta type I (OI1). Also called: Lobstein disease; Lobstein's Disease; OI, TYPE I; OSTEOGENESIS IMPERFECTA TARDA; OSTEOGENESIS IMPERFECTA WITH BLUE SCLERAE; Osteogenesis imperfecta type 1. Identifiers: Orphanet 216796, Orphanet 666, MedGen C0023931, MONDO:0008146, OMIM 166200. Disease mechanism: loss of function.

Allele frequency attached by ClinVar (database versions not stated): gnomAD exomes below 0.00001; TOPMed 0.00001; gnomAD 0.00002 and 0.00003.
gnomAD v4.1: 19 of 1,613,856 alleles (0.0012%); highest among the groups gnomAD compares: Middle Eastern, 0.016%; no homozygotes.

Submissions (6):

PreventionGenetics, part of Exact Sciences
Classification: Uncertain significance for COL1A2-related condition. Last evaluated: 2026-08-10. Review status: criteria provided, single submitter. Criteria: ACMG Guidelines, 2015. Collection method: clinical testing. Allele origin: germline.
Comment: The COL1A2 c.700C>T variant is predicted to result in the amino acid substitution p.Arg234Cys. This variant has been reported, along with another variant (a glycine substitution) in COL1A1 gene, in an individual from a cohort of patients with osteogenesis imperfecta type II (Bodian et al. 2009. PubMed ID: 18996919). This variant is reported in 0.00088% of alleles in individuals of European (Non-Finnish) descent in gnomAD. At this time, the clinical significance of this variant is uncertain due to the absence of conclusive functional and genetic evidence.

Labcorp Genetics (formerly Invitae), Labcorp
Classification: Uncertain significance for Osteogenesis imperfecta type I; Ehlers-Danlos syndrome, classic type, 1. Last evaluated: 2025-10-06. Review status: criteria provided, single submitter. Criteria: Invitae Variant Classification Sherloc (09022015). Collection method: clinical testing. Allele origin: germline.
Comment: This sequence change replaces arginine, which is basic and polar, with cysteine, which is neutral and slightly polar, at codon 234 of the COL1A2 protein (p.Arg234Cys). This variant is present in population databases (no rsID available, gnomAD 0.0009%). This missense change has been observed in individual(s) with osteogenesis imperfecta (PMID: 18996919). ClinVar contains an entry for this variant (Variation ID: 1480675). Invitae Evidence Modeling of protein sequence and biophysical properties (such as structural, functional, and spatial information, amino acid conservation, physicochemical variation, residue mobility, and thermodynamic stability) indicates that this missense variant is expected to disrupt COL1A2 protein function with a positive predictive value of 95%. In summary, the available evidence is currently insufficient to determine the role of this variant in disease. Therefore, it has been classified as a Variant of Uncertain Significance.

Blueprint Genetics
Classification: Likely benign. Last evaluated: 2023-06-12. Review status: criteria provided, single submitter. Criteria: ACMG Guidelines, 2015. Collection method: clinical testing. Allele origin: germline.

Ambry Genetics
Classification: Uncertain significance for Cardiovascular phenotype. Last evaluated: 2023-06-02. Review status: criteria provided, single submitter. Criteria: Ambry Variant Classification Scheme 2023. Collection method: clinical testing. Allele origin: germline.
Comment: The p.R234C variant (also known as c.700C>T), located in coding exon 15 of the COL1A2 gene, results from a C to T substitution at nucleotide position 700. The arginine at codon 234 is replaced by cysteine, an amino acid with highly dissimilar properties. This alteration has been reported in an osteogenesis imperfecta (OI) cohort; however, an additional alteration in COL1A1 was also identified in this case (Bodian DL et al. Hum Mol Genet, 2009 Feb;18:463-71). This amino acid position is highly conserved in available vertebrate species. In addition, this alteration is predicted to be deleterious by in silico analysis. Since supporting evidence is limited at this time, the clinical significance of this alteration remains unclear.

Women's Health and Genetics/Laboratory Corporation of America, LabCorp
Classification: Uncertain significance. Last evaluated: 2022-09-30. Review status: criteria provided, single submitter. Criteria: LabCorp Variant Classification Summary - May 2015. Collection method: clinical testing. Allele origin: germline.
Comment: Variant summary: COL1A2 c.700C>T (p.Arg234Cys) results in a non-conservative amino acid change in the encoded protein sequence. Five of five in-silico tools predict a damaging effect of the variant on protein function. The variant allele was found at a frequency of 4e-06 in 251474 control chromosomes (gnomAD). The available data on variant occurrences in the general population are insufficient to allow any conclusion about variant significance. c.700C>T has been reported in the literature in at-least one individual affected with Osteogenesis imperfecta type II, however, the authors predicted the causative variant was in COL1A1 gene in this individual (example: Bodian_2009). This report does not provide unequivocal conclusions about association of the variant with Ehlers-Danlos Syndrome. To our knowledge, no experimental evidence demonstrating an impact on protein function has been reported. Two clinical diagnostic laboratories have submitted clinical-significance assessments for this variant to ClinVar after 2014 and classified the variant as uncertain significance. Based on the evidence outlined above, the variant was classified as uncertain significance.

Genome Diagnostics Laboratory, The Hospital for Sick Children
Classification: Uncertain significance for Ehlers-Danlos syndrome. Last evaluated: 2021-12-24. Review status: criteria provided, single submitter. Criteria: ACMG Guidelines, 2015. Collection method: clinical testing. Allele origin: germline.

Literature cited by the submitters: PubMed 18996919 (cited by 3 submitters).